The following is an entry in ClinVar:

NM_018668.5(VPS33B):c.868C>T (p.Arg290Trp)

Gene: VPS33B (VPS33B late endosome and lysosome associated; minus strand). Cytogenetic location: 15q26.1.
Variant type: single nucleotide variant.
Coding change: c.868C>T on transcript NM_018668.5 (MANE Select); coding-DNA position 868, C replaced by T.
Protein change: p.Arg290Trp; replaces arginine 290 with tryptophan.
Molecular consequence: missense variant.
Genome position (GRCh38, 1-based): chr15:91,006,044, G>A on the plus strand (C>T on the coding strand, the complement: VPS33B is on the minus strand). VCF-style: chr15-91006044-G-A. GRCh37 (hg19) VCF-style: chr15-91549274-G-A.
Other names: c.787C>T, p.Arg263Trp (NM_001289148.1); c.595C>T, p.Arg199Trp (NM_001289149.1); c.868C>T (NM_018668.4); short protein forms R290W, R263W, R199W.
Identifiers: ClinVar variation 317425 (VCV000317425.8), dbSNP rs750350100, ClinGen allele CA7744879.
Genomic context (GRCh38, chr15:91,006,044, plus strand): 5'-CCTGCAAGTTCCGGGCCTTCTGGCTCAAGAAGCCAAAGACATTGGAGAAGTGCTCGTTCC[G>A]AATCTCATTAAACACCTGTGAGGACAGTAAGACAAGAACAGCTTACTCTGTCAGAACCAT-3'
Protein context (NP_061138.3, residues 280-300): NAEDKVFNEI[Arg290Trp]NEHFSNVFGF

ClinVar aggregate classification (germline): Uncertain significance. Review status: criteria provided, multiple submitters, no conflicts (2 of 4 stars). 3 submissions from 3 submitters: Uncertain significance (3). Last evaluated 2026-08-11.

Conditions:
Inborn genetic diseases. Identifiers: MedGen C0950123, MeSH D030342.
Arthrogryposis, renal dysfunction, and cholestasis 1 (ARCS1). Identifiers: Orphanet 2697, MedGen C1859722, MONDO:0008822, OMIM 208085.
VPS33B-related disorder. Also called: VPS33B-related condition.

Allele frequency attached by ClinVar (database versions not stated): ExAC 0.00001; gnomAD exomes 0.00001 and 0.00004; gnomAD 0.00004.
gnomAD v4.1: 61 of 1,614,020 alleles (0.0038%); highest among the groups gnomAD compares: Admixed American, 0.012%; no homozygotes.

Submissions (3):

PreventionGenetics, part of Exact Sciences
Classification: Uncertain significance for VPS33B-related condition. Last evaluated: 2026-08-11. Review status: criteria provided, single submitter. Criteria: ACMG Guidelines, 2015. Collection method: clinical testing. Allele origin: germline.
Comment: The VPS33B c.868C>T variant is predicted to result in the amino acid substitution p.Arg290Trp. To our knowledge, this variant has not been reported in the literature. This variant is reported in 0.0065% of alleles in individuals of South Asian descent in gnomAD. At this time, the clinical significance of this variant is uncertain due to the absence of conclusive functional and genetic evidence.

Ambry Genetics
Classification: Uncertain significance for Inborn genetic diseases. Last evaluated: 2022-07-22. Review status: criteria provided, single submitter. Criteria: Ambry Variant Classification Scheme 2023. Collection method: clinical testing. Allele origin: germline.

Illumina Laboratory Services, Illumina
Classification: Uncertain significance for Arthrogryposis, renal dysfunction, and cholestasis 1. Last evaluated: 2018-01-12. Review status: criteria provided, single submitter. Criteria: ICSL Variant Classification Criteria 13 December 2019. Collection method: clinical testing. Allele origin: germline.